The following is an entry in ClinVar:

ClinVar aggregate classification (germline): Uncertain significance. Review status: criteria provided, multiple submitters, no conflicts (2 of 4 stars). 2 submissions from 2 submitters: Uncertain significance (2). Last evaluated 2024-07-29.

Conditions:
Hereditary cancer-predisposing syndrome. Also called: Neoplastic Syndromes, Hereditary; Hereditary Cancer Syndrome; Tumor predisposition; Hereditary neoplastic syndrome. Identifiers: Orphanet 140162, MedGen C0027672, MeSH D009386, MONDO:0015356.
Familial adenomatous polyposis 2. Also called: COLORECTAL ADENOMATOUS POLYPOSIS, AUTOSOMAL RECESSIVE; ADENOMAS, MULTIPLE COLORECTAL, AUTOSOMAL RECESSIVE; MUTYH-associated polyposis; MUTYH-related attenuated familial adenomatous polyposis; MUTYH Polyposis; Adenomas, multiple colorectal. Identifiers: Orphanet 220460, Orphanet 247798, MedGen C3272841, MONDO:0012041, OMIM 608456.

Submissions (2):

Labcorp Genetics (formerly Invitae), Labcorp
Classification: Uncertain significance for Familial adenomatous polyposis 2. Last evaluated: 2024-07-29. Review status: criteria provided, single submitter. Criteria: Invitae Variant Classification Sherloc (09022015). Collection method: clinical testing. Allele origin: germline.
Comment: This sequence change replaces glutamine, which is neutral and polar, with histidine, which is basic and polar, at codon 139 of the MUTYH protein (p.Gln139His). This variant is not present in population databases (gnomAD no frequency). This variant has not been reported in the literature in individuals affected with MUTYH-related conditions. ClinVar contains an entry for this variant (Variation ID: 631329). An algorithm developed to predict the effect of missense changes on protein structure and function (PolyPhen-2) suggests that this variant is likely to be disruptive. In summary, the available evidence is currently insufficient to determine the role of this variant in disease. Therefore, it has been classified as a Variant of Uncertain Significance.

Color Diagnostics, LLC DBA Color Health
Classification: Uncertain significance for Hereditary cancer-predisposing syndrome. Last evaluated: 2023-12-05. Review status: criteria provided, single submitter. Criteria: ACMG Guidelines, 2015. Collection method: clinical testing. Allele origin: germline.
Comment: This missense variant replaces glutamine with histidine at codon 139 of the MUTYH protein. Computational prediction suggests that this variant may have deleterious impact on protein structure and function (internally defined REVEL score threshold >= 0.7, PMID: 27666373). To our knowledge, functional studies have not been reported for this variant. This variant has not been reported in individuals affected with MUTYH-related disorders in the literature. This variant has not been identified in the general population by the Genome Aggregation Database (gnomAD). The available evidence is insufficient to determine the role of this variant in disease conclusively. Therefore, this variant is classified as a Variant of Uncertain Significance.

NM_001048174.2(MUTYH):c.333G>C (p.Gln111His)

Gene: MUTYH (mutY DNA glycosylase; minus strand). Cytogenetic location: 1p34.1.
Variant type: single nucleotide variant.
Coding change: c.333G>C on transcript NM_001048174.2 (MANE Select); coding-DNA position 333, G replaced by C.
Protein change: p.Gln111His; replaces glutamine 111 with histidine.
Molecular consequence: missense variant. On other transcripts: non-coding transcript variant (1), intron variant (2).
Genome position (GRCh38, 1-based): chr1:45,333,142, C>G on the plus strand (G>C on the coding strand, the complement: MUTYH is on the minus strand). VCF-style: chr1-45333142-C-G. GRCh37 (hg19) VCF-style: chr1-45798814-C-G.
Other names: c.336G>C, p.Gln112His (NM_001048172.2); c.333G>C, p.Gln111His (NM_001048173.2, NM_001293195.2, NM_001048171.2); c.417G>C, p.Gln139His (NM_001128425.2); c.378G>C, p.Gln126His (NM_001293190.2); c.366G>C, p.Gln122His (NM_001293191.2); c.57G>C, p.Gln19His (NM_001293192.2, NM_001293196.2); c.408G>C, p.Gln136His (NM_012222.3); c.33+143G>C (NM_001350651.2, NM_001350650.2); short protein forms Q139H, Q112H, Q122H, Q126H, Q136H, Q19H, Q111H.
Identifiers: ClinVar variation 631329 (VCV000631329.11), dbSNP rs1557482691, ClinGen allele CA340136159.